The following is an entry in ClinVar:

NM_001349232.2(ATG7):c.339G>A (p.Trp113Ter)

Gene: ATG7 (autophagy related 7; plus strand). Cytogenetic location: 3p25.3.
Variant type: single nucleotide variant.
Coding change: c.339G>A on transcript NM_001349232.2 (MANE Select); coding-DNA position 339, G replaced by A.
Protein change: p.Trp113Ter; replaces tryptophan 113 with a stop codon.
Molecular consequence: nonsense. On other transcripts: 5 prime UTR variant (1).
Genome position (GRCh38, 1-based): chr3:11,308,989, G>A. VCF-style: chr3-11308989-G-A. GRCh37 (hg19) VCF-style: chr3-11350463-G-A.
Other names: c.339G>A, p.Trp113Ter (NM_001136031.3, NM_001144912.2, NM_001349233.2 and 5 more transcripts); c.-473G>A (NM_001349238.2); short protein forms W113*.
Identifiers: ClinVar variation 3375357 (VCV003375357.1).

ClinVar aggregate classification (germline): Pathogenic (1 of 4 stars; one submission).

Conditions:
Spinocerebellar ataxia, autosomal recessive 31. Identifiers: MedGen C5543627, MONDO:0030323, OMIM 619422.

Submission:

Women's Health and Genetics/Laboratory Corporation of America, LabCorp
Classification: Pathogenic for Spinocerebellar ataxia, autosomal recessive 31. Last evaluated: 2024-09-20. Review status: criteria provided, single submitter. Criteria: LabCorp Variant Classification Summary - May 2015. Collection method: clinical testing. Allele origin: germline.
Comment: Variant summary: ATG7 c.339G>A (p.Trp113X) results in a premature termination codon, predicted to cause a truncation of the encoded protein or absence of the protein due to nonsense mediated decay, which are commonly known mechanisms for disease. The variant was absent in 251462 control chromosomes. To our knowledge, no occurrence of c.339G>A in individuals affected with Spinocerebellar Ataxia, Autosomal Recessive 31 and no experimental evidence demonstrating its impact on protein function have been reported. No submitters have cited clinical-significance assessments for this variant to ClinVar. Based on the evidence outlined above, the variant was classified as pathogenic.